The following is an entry in ClinVar:

NM_001365951.3(KIF1B):c.184-5T>C

Gene: KIF1B (kinesin family member 1B; plus strand). Cytogenetic location: 1p36.22.
Variant type: single nucleotide variant.
Coding change: c.184-5T>C on transcript NM_001365951.3 (MANE Select); 5 bases into the intron before coding-DNA position 184, T replaced by C.
Molecular consequence: intron variant.
Genome position (GRCh38, 1-based): chr1:10,258,488, T>C. VCF-style: chr1-10258488-T-C. GRCh37 (hg19) VCF-style: chr1-10318546-T-C.
Other names: c.184-5T>C (NM_183416.4, NM_015074.3, NM_001365952.1 and 1 more transcripts).
Identifiers: ClinVar variation 1781240 (VCV001781240.2), dbSNP rs767210065, ClinGen allele CA580648.

ClinVar aggregate classification (germline): Uncertain significance (1 of 4 stars; one submission).

Allele frequency attached by ClinVar (database versions not stated): gnomAD exomes below 0.00001; ExAC 0.00001.
gnomAD v4.1: 1 of 1,607,594 alleles (0.000062%); highest among the groups gnomAD compares: African/African-American, 0.0013%; no homozygotes.

Submission:

Ambry Genetics
Classification: Uncertain significance. Last evaluated: 2021-11-17. Review status: criteria provided, single submitter. Criteria: Ambry Variant Classification Scheme 2023. Collection method: clinical testing. Allele origin: germline.
Comment: The c.184-5T>C intronic variant results from a T to C substitution 5 nucleotides upstream from coding exon 3 in the KIF1B gene. This nucleotide position is not well conserved in available vertebrate species. In silico splice site analysis predicts that this alteration will not have any significant effect on splicing. Since supporting evidence is limited at this time, the clinical significance of this alteration remains unclear.